The following is an entry in ClinVar:

NM_004341.5(CAD):c.5128A>G (p.Met1710Val)

Gene: CAD (carbamoyl-phosphate synthetase 2, aspartate transcarbamylase, and dihydroorotase; plus strand). Cytogenetic location: 2p23.3.
Variant type: single nucleotide variant.
Coding change: c.5128A>G on transcript NM_004341.5 (MANE Select); coding-DNA position 5128, A replaced by G.
Protein change: p.Met1710Val; replaces methionine 1710 with valine.
Molecular consequence: missense variant.
Genome position (GRCh38, 1-based): chr2:27,239,107, A>G. VCF-style: chr2-27239107-A-G. GRCh37 (hg19) VCF-style: chr2-27461975-A-G.
Other names: c.4939A>G, p.Met1647Val (NM_001306079.2); short protein forms M1647V, M1710V.
Identifiers: ClinVar variation 1476357 (VCV001476357.6), dbSNP rs2148091017, ClinGen allele CA346222181.
Genomic context (GRCh38, chr2:27,239,107, plus strand): 5'-CATACCTTGGAGGAGAAGTGTGGGTCCAGGCCCCCACCTGGGTTCCCAGGGTTAGAGACC[A>G]TGCTGCCACTACTCCTGACGGCTGTAAGCGAGGGCCGGCTCAGCCTGGACGACCTGCTGC-3'
Protein context (NP_004332.2, residues 1700-1720): PPPGFPGLET[Met1710Val]LPLLLTAVSE

ClinVar aggregate classification (germline): Uncertain significance (1 of 4 stars; one submission).

Submission:

Labcorp Genetics (formerly Invitae), Labcorp
Classification: Uncertain significance. Last evaluated: 2021-09-09. Review status: criteria provided, single submitter. Criteria: Invitae Variant Classification Sherloc (09022015). Collection method: clinical testing. Allele origin: germline.
Comment: This sequence change replaces methionine with valine at codon 1710 of the CAD protein (p.Met1710Val). The methionine residue is highly conserved and there is a small physicochemical difference between methionine and valine. This variant is not present in population databases (ExAC no frequency). This variant has not been reported in the literature in individuals affected with CAD-related conditions. Algorithms developed to predict the effect of missense changes on protein structure and function (SIFT, PolyPhen-2, Align-GVGD) all suggest that this variant is likely to be tolerated. In summary, the available evidence is currently insufficient to determine the role of this variant in disease. Therefore, it has been classified as a Variant of Uncertain Significance.